The following is an entry in ClinVar:

NM_001012720.2(RGR):c.243G>C (p.Trp81Cys)

Gene: RGR (retinal G protein coupled receptor; plus strand). Cytogenetic location: 10q23.1.
Variant type: single nucleotide variant.
Coding change: c.243G>C on transcript NM_001012720.2 (MANE Select); coding-DNA position 243, G replaced by C.
Protein change: p.Trp81Cys; replaces tryptophan 81 with cysteine.
Molecular consequence: missense variant.
Genome position (GRCh38, 1-based): chr10:84,248,928, G>C. VCF-style: chr10-84248928-G-C. GRCh37 (hg19) VCF-style: chr10-86008684-G-C.
Other names: c.243G>C, p.Trp81Cys (NM_001012722.2); c.255G>C, p.Trp85Cys (NM_002921.4); short protein forms W81C, W85C.
Identifiers: ClinVar variation 1955861 (VCV001955861.5), dbSNP rs751515197, ClinGen allele CA5581359.
Genomic context (GRCh38, chr10:84,248,928, plus strand): 5'-TGGGAGGTGGAAAGGATCGGAGGAGAGGTCACTGGTGCCCAGTGTCTCCCACAGGCGCTG[G>C]CCCTACGGCTCGGACGGCTGCCAGGCTCACGGCTTCCAGGGCTTTGTGACAGCGTTGGCC-3'
Protein context (NP_001012738.1, residues 71-91): VAATSSLLRR[Trp81Cys]PYGSDGCQAH

ClinVar aggregate classification (germline): Uncertain significance (1 of 4 stars; one submission).

Allele frequency attached by ClinVar (database versions not stated): TOPMed below 0.00001; ExAC 0.00001; gnomAD 0.00001.

Submission:

Labcorp Genetics (formerly Invitae), Labcorp
Classification: Uncertain significance. Last evaluated: 2022-08-20. Review status: criteria provided, single submitter. Criteria: Invitae Variant Classification Sherloc (09022015). Collection method: clinical testing. Allele origin: germline.
Comment: In summary, the available evidence is currently insufficient to determine the role of this variant in disease. Therefore, it has been classified as a Variant of Uncertain Significance. Algorithms developed to predict the effect of missense changes on protein structure and function are either unavailable or do not agree on the potential impact of this missense change (SIFT: "Deleterious"; PolyPhen-2: "Not Available"; Align-GVGD: "Class C65"). This variant has not been reported in the literature in individuals affected with RGR-related conditions. This variant is present in population databases (rs751515197, gnomAD 0.007%). This sequence change replaces tryptophan, which is neutral and slightly polar, with cysteine, which is neutral and slightly polar, at codon 81 of the RGR protein (p.Trp81Cys).